The following is an entry in ClinVar:

ClinVar aggregate classification (germline): Conflicting classifications of pathogenicity. Review status: criteria provided, conflicting classifications (1 of 4 stars). 4 submissions from 4 submitters: Pathogenic (2); Likely pathogenic (1); Uncertain significance (1). Last evaluated 2025-02-12.

Conditions:
Lethal multiple pterygium syndrome (LMPS). Identifiers: Orphanet 33108, MedGen C1854678, MONDO:0009668, OMIM 253290.

Allele frequency attached by ClinVar (database versions not stated): gnomAD 0.00001; gnomAD exomes 0.00001 and 0.00002; TOPMed 0.00002; ExAC 0.00003.

Submissions (4):

Labcorp Genetics (formerly Invitae), Labcorp
Classification: Pathogenic for Lethal multiple pterygium syndrome. Last evaluated: 2025-02-12. Review status: criteria provided, single submitter. Criteria: Invitae Variant Classification Sherloc (09022015). Collection method: clinical testing. Allele origin: germline.
Comment: This sequence change creates a premature translational stop signal (p.Arg336*) in the CHRND gene. It is expected to result in an absent or disrupted protein product. Loss-of-function variants in CHRND are known to be pathogenic (PMID: 11435464, 25264167). This variant is present in population databases (rs754087173, gnomAD 0.003%). This premature translational stop signal has been observed in individual(s) with autosomal recessive CHRND-related conditions (PMID: 36733345). ClinVar contains an entry for this variant (Variation ID: 1324078). For these reasons, this variant has been classified as Pathogenic.

GeneDx
Classification: Likely pathogenic. Last evaluated: 2024-12-22. Review status: criteria provided, single submitter. Criteria: GeneDx Variant Classification Process June 2021. Collection method: clinical testing. Allele origin: germline. Affected: yes.
Comment: Reported in a fetus with lethal multiple pterygium syndrome in the published literature (PMID: 36733345); Nonsense variant predicted to result in protein truncation or nonsense mediated decay in a gene for which loss of function is a known mechanism of disease; Not observed at significant frequency in large population cohorts (gnomAD); This variant is associated with the following publications: (PMID: 36733345)

Revvity Omics, Revvity
Classification: Pathogenic. Last evaluated: 2023-08-30. Review status: criteria provided, single submitter. Criteria: ACMG Guidelines, 2015. Collection method: clinical testing. Allele origin: germline.

Department of Pathology and Laboratory Medicine, Sinai Health System
Classification: Uncertain significance for Lethal multiple pterygium syndrome. Last evaluated: 2023-03-16. Review status: criteria provided, single submitter. Criteria: ACMG Guidelines, 2015. Collection method: research. Allele origin: germline.

Literature cited by the submitters: PubMed 11435464 (cited by Labcorp Genetics (formerly Invitae), Labcorp); PubMed 25264167 (cited by Labcorp Genetics (formerly Invitae), Labcorp); PubMed 36733345 (cited by Labcorp Genetics (formerly Invitae), Labcorp).

NM_000751.3(CHRND):c.1006C>T (p.Arg336Ter)

Gene: CHRND (cholinergic receptor nicotinic delta subunit; plus strand). Cytogenetic location: 2q37.1.
Variant type: single nucleotide variant.
Coding change: c.1006C>T on transcript NM_000751.3 (MANE Select); coding-DNA position 1006, C replaced by T.
Protein change: p.Arg336Ter; replaces arginine 336 with a stop codon.
Molecular consequence: nonsense.
Genome position (GRCh38, 1-based): chr2:232,531,615, C>T. VCF-style: chr2-232531615-C-T. GRCh37 (hg19) VCF-style: chr2-233396325-C-T.
Other names: c.961C>T, p.Arg321Ter (NM_001256657.2); c.424C>T, p.Arg142Ter (NM_001311195.2); c.703C>T, p.Arg235Ter (NM_001311196.2); c.1006C>T (NM_000751.2); short protein forms R142*, R235*, R321*, R336*.
Identifiers: ClinVar variation 1324078 (VCV001324078.8), dbSNP rs754087173, ClinGen allele CA2168224.